The following is an entry in ClinVar:

ClinVar aggregate classification (germline): Pathogenic (1 of 4 stars; one submission).

Submission:

GeneDx
Classification: Pathogenic. Last evaluated: 2017-10-18. Review status: criteria provided, single submitter. Criteria: GeneDx Variant Classification (06012015). Collection method: clinical testing. Allele origin: germline. Affected: yes.
Comment: The Q193X variant in the WDR45 gene has not been reported previously as a pathogenic variant nor as a benign variant, to our knowledge. This variant is predicted to cause loss of normal protein function either through protein truncation or nonsense-mediated mRNA decay. The Q193X variant is not observed in large population cohorts (Lek et al., 2016).

NM_001029896.2(WDR45):c.574C>T (p.Gln192Ter)

Gene: WDR45 (WD repeat domain 45; minus strand). Cytogenetic location: Xp11.23.
Variant type: single nucleotide variant.
Coding change: c.574C>T on transcript NM_001029896.2 (MANE Select); coding-DNA position 574, C replaced by T.
Protein change: p.Gln192Ter; replaces glutamine 192 with a stop codon.
Molecular consequence: nonsense.
Genome position (GRCh38, 1-based): chrX:49,075,696, G>A on the plus strand (C>T on the coding strand, the complement: WDR45 is on the minus strand). VCF-style: chrX-49075696-G-A. GRCh37 (hg19) VCF-style: chrX-48933355-G-A.
Other names: c.577C>T, p.Gln193Ter (NM_007075.4); short protein forms Q193*, Q192*.
Identifiers: ClinVar variation 489044 (VCV000489044.2), dbSNP rs1557084077, ClinGen allele CA412944557.
Genomic context (GRCh38, chrX:49,075,696, plus strand): 5'-GGGAGGCTGAGGCCACTACAGTGCCTGGCTGGTTTAGAGACACACAGGCTATGTCACTCT[G>A]ATGTGCATTGATCGTGAATGGAGCAGACGAGGTGCCAGGCTTTGTGCTCGCCAGGTCCTG-3'